The following is an entry in ClinVar:

NM_000255.4(MMUT):c.203_204del (p.Ser68fs)

Gene: MMUT (methylmalonyl-CoA mutase; minus strand). Cytogenetic location: 6p12.3.
Variant type: Microsatellite.
Coding change: c.203_204del on transcript NM_000255.4 (MANE Select); coding-DNA positions 203 to 204, 2 bases deleted (CT; older notation c.203_204delCT).
Protein change: p.Ser68fs; shifts the reading frame from serine 68.
Molecular consequence: frameshift variant.
Genome position (GRCh38, 1-based): chr6:49,459,263-49,459,264, AG deleted on the plus strand (CT on the coding strand, the reverse complement: MMUT is on the minus strand); deleting any 2 consecutive bases within chr6:49,459,263-49,459,267 gives the same sequence; the c. name uses the placement nearest the transcript's 3' end. VCF-style (leftmost placement, unchanged base first): chr6-49459262-TAG-T. GRCh37 (hg19) VCF-style: chr6-49426975-TAG-T.
Other names: short protein forms S68fs.
Identifiers: ClinVar variation 5004062 (VCV005004062.1).

ClinVar aggregate classification (germline): Pathogenic (1 of 4 stars; one submission).

Conditions:
Methylmalonic aciduria due to methylmalonyl-CoA mutase deficiency (MAMM). Also called: Methylmalonic aciduria, mut type. Identifiers: Orphanet 27, MedGen C1855114, MONDO:0009612, OMIM 251000.

Submission:

Myriad Genetics, Inc.
Classification: Pathogenic for Methylmalonic aciduria due to methylmalonyl-CoA mutase deficiency. Last evaluated: 2025-07-21. Review status: criteria provided, single submitter. Criteria: Myriad Autosomal Dominant, Autosomal Recessive and X-Linked Classification Criteria (2023). Collection method: clinical testing. Allele origin: unknown.
Comment: NM_000255.3(MMUT):c.203_204delCT(S68Yfs*15) is a frameshift variant classified as pathogenic in the context of methylmalonic acidemia, MMUT-related. S68Yfs*15 has not been observed in cases with relevant disease. Relevant functional assessments of this variant are not available in the literature. S68Yfs*15 has not been observed in referenced population frequency databases. In summary, NM_000255.3(MMUT):c.203_204delCT(S68Yfs*15) is a frameshift variant in a gene where loss of function is a known mechanism of disease and is predicted to disrupt protein function. Please note: this variant was assessed in the context of healthy population screening.